The following is an entry in ClinVar:

NM_005993.5(TBCD):c.1698_1708del (p.Leu567fs)

Gene: TBCD (tubulin folding cofactor D). Cytogenetic location: 17q25.3.
Variant type: Deletion.
Coding change: c.1698_1708del on transcript NM_005993.5 (MANE Select); coding-DNA positions 1698 to 1708, 11 bases deleted.
Protein change: p.Leu567fs; shifts the reading frame from leucine 567.
Molecular consequence: frameshift variant. On other transcripts: intron variant (1).
Genome position: GRCh38 VCF-style: chr17-82900694-GACCACCTGGTT-G. GRCh37 (hg19) VCF-style: chr17-80858570-GACCACCTGGTT-G.
Other names: c.1647_1657del, p.Leu550fs (NM_001411101.1); c.1650-2706_1650-2696del (NM_001411102.1); short protein forms L550fs, L567fs.
Identifiers: ClinVar variation 2893272 (VCV002893272.3), dbSNP rs1489483742, ClinGen allele CA775832870.

ClinVar aggregate classification (germline): Pathogenic (1 of 4 stars; one submission).

Submission:

Labcorp Genetics (formerly Invitae), Labcorp
Classification: Pathogenic. Last evaluated: 2023-07-25. Review status: criteria provided, single submitter. Criteria: Invitae Variant Classification Sherloc (09022015). Collection method: clinical testing. Allele origin: germline.
Comment: This sequence change creates a premature translational stop signal (p.Leu567Glufs*94) in the TBCD gene. It is expected to result in an absent or disrupted protein product. Loss-of-function variants in TBCD are known to be pathogenic (PMID: 27666370, 27666374). For these reasons, this variant has been classified as Pathogenic. This variant has not been reported in the literature in individuals affected with TBCD-related conditions. This variant is not present in population databases (gnomAD no frequency).

Literature cited by the submitters: PubMed 27666370; PubMed 27666374.